The following is an entry in ClinVar:

ClinVar aggregate classification (germline): Likely benign (1 of 4 stars; one submission).

gnomAD v4.1: 15 of 1,554,634 alleles (0.00096%); highest among the groups gnomAD compares: Admixed American, 0.0038%; no homozygotes.

Submission:

CeGaT Center for Human Genetics Tuebingen
Classification: Likely benign. Last evaluated: 2024-10-01. Review status: criteria provided, single submitter. Criteria: CeGaT Center For Human Genetics Tuebingen Variant Classification Criteria Version 2. Collection method: clinical testing. Allele origin: germline. Affected: yes. Observed: 1 variant allele.
Comment: MUC5B: BP4, BP7

NM_002458.3(MUC5B):c.16443G>A (p.Thr5481=)

Gene: MUC5B (mucin 5B, oligomeric mucus/gel-forming; plus strand). Cytogenetic location: 11p15.5.
Variant type: single nucleotide variant.
Coding change: c.16443G>A on transcript NM_002458.3 (MANE Select); coding-DNA position 16443, G replaced by A.
Protein change: p.Thr5481=; no amino-acid change (threonine 5481 retained).
Molecular consequence: synonymous variant.
Genome position (GRCh38, 1-based): chr11:1,257,703, G>A. VCF-style: chr11-1257703-G-A. GRCh37 (hg19) VCF-style: chr11-1278933-G-A.
Identifiers: ClinVar variation 3389087 (VCV003389087.14).